The following is an entry in ClinVar:

NM_173660.5(DOK7):c.1001_1011dup (p.Ser338fs)

Gene: DOK7 (docking protein 7; plus strand). Cytogenetic location: 4p16.3.
Variant type: Duplication.
Coding change: c.1001_1011dup on transcript NM_173660.5 (MANE Select); coding-DNA positions 1001 to 1011, 11 bases duplicated (GCTCCTCGGAC).
Protein change: p.Ser338fs; shifts the reading frame from serine 338.
Molecular consequence: frameshift variant. On other transcripts: 3 prime UTR variant (1).
Genome position (GRCh38, 1-based): chr4:3,492,987-3,492,997, GCTCCTCGGAC duplicated. VCF-style (leftmost placement, unchanged base first): chr4-3492986-A-AGCTCCTCGGAC. GRCh37 (hg19) VCF-style: chr4-3494713-A-AGCTCCTCGGAC.
Other names: c.*222_*232dup (NM_001164673.2); c.71_81dup, p.Ser28fs (NM_001256896.2); c.1001_1011dup, p.Ser338fs (NM_001301071.2); c.569_579dup, p.Ser194fs (NM_001363811.2); short protein forms S194fs, S28fs, S338fs.
Identifiers: ClinVar variation 2203504 (VCV002203504.6), dbSNP rs1248986109, ClinGen allele CA794200125.
Genomic context (GRCh38, chr4:3,492,986, plus strand): 5'-GCCTCAAGGCCACCCCCCAAGCCGCTGCGTCCGCGGCAGCTGCAGGAGGTTGGCCGCCAG[A>AGCTCCTCGGAC]GCTCCTCGGACAGCGGCATCGCCACTGGCAGCCACTCCTCTTACTCCAGCAGCCTCTCGT-3'

ClinVar aggregate classification (germline): Pathogenic/Likely pathogenic. Review status: criteria provided, multiple submitters, no conflicts (2 of 4 stars). 3 submissions from 3 submitters: Pathogenic (2); Likely pathogenic (1). Last evaluated 2024-03-13.

Conditions:
Fetal akinesia deformation sequence 3. Identifiers: MedGen C4760599, MONDO:0100103, OMIM 618389.
Fetal akinesia deformation sequence 1 (FADS1). Also called: Fetal akinesia sequence; Pena-Shokeir syndrome type I. Identifiers: Orphanet 994, MedGen C1276035, MONDO:0100101, OMIM 208150, HP:0001989.
Congenital myasthenic syndrome 10. Also called: Myasthenia, limb-girdle, familial. Identifiers: Orphanet 590, MedGen C1850792, MONDO:0009690, OMIM 254300.

Allele frequency attached by ClinVar (database versions not stated): gnomAD exomes below 0.00001; gnomAD 0.00001.

Submissions (3):

Fulgent Genetics
Classification: Likely pathogenic for Congenital myasthenic syndrome 10; Fetal akinesia deformation sequence 3. Last evaluated: 2024-03-13. Review status: criteria provided, single submitter. Criteria: ACMG Guidelines, 2015. Collection method: clinical testing. Allele origin: germline.

Labcorp Genetics (formerly Invitae), Labcorp
Classification: Pathogenic for Congenital myasthenic syndrome 10; Fetal akinesia deformation sequence 1. Last evaluated: 2023-12-30. Review status: criteria provided, single submitter. Criteria: Invitae Variant Classification Sherloc (09022015). Collection method: clinical testing. Allele origin: germline.
Comment: This sequence change creates a premature translational stop signal (p.Ser338Alafs*122) in the DOK7 gene. While this is not anticipated to result in nonsense mediated decay, it is expected to disrupt the last 167 amino acid(s) of the DOK7 protein. This variant is not present in population databases (gnomAD no frequency). This premature translational stop signal has been observed in individual(s) with congenital myasthenic syndrome (PMID: 18626973). ClinVar contains an entry for this variant (Variation ID: 2203504). This variant disrupts a region of the DOK7 protein in which other variant(s) (p.Pro486Argfs*15) have been determined to be pathogenic (PMID: 29118959). This suggests that this is a clinically significant region of the protein, and that variants that disrupt it are likely to be disease-causing. For these reasons, this variant has been classified as Pathogenic.

Baylor Genetics
Classification: Pathogenic for Fetal akinesia deformation sequence 3. Last evaluated: 2023-09-22. Review status: criteria provided, single submitter. Criteria: ACMG Guidelines, 2015. Collection method: clinical testing. Allele origin: unknown.

Literature cited by the submitters: PubMed 18626973 (cited by Labcorp Genetics (formerly Invitae), Labcorp); PubMed 29118959 (cited by Labcorp Genetics (formerly Invitae), Labcorp).